The following is an entry in ClinVar:

NM_153614.4(DNAJB13):c.392G>A (p.Arg131Gln)

Gene: DNAJB13 (DnaJ heat shock protein family (Hsp40) member B13; plus strand). Cytogenetic location: 11q13.4.
Variant type: single nucleotide variant.
Coding change: c.392G>A on transcript NM_153614.4 (MANE Select); coding-DNA position 392, G replaced by A.
Protein change: p.Arg131Gln; replaces arginine 131 with glutamine.
Molecular consequence: missense variant.
Genome position (GRCh38, 1-based): chr11:73,964,935, G>A. VCF-style: chr11-73964935-G-A. GRCh37 (hg19) VCF-style: chr11-73675980-G-A.
Other names: c.218G>A, p.Arg73Gln (NM_001377263.1); short protein forms R73Q, R131Q.
Identifiers: ClinVar variation 1969544 (VCV001969544.5), dbSNP rs770415081, ClinGen allele CA6180751.

ClinVar aggregate classification (germline): Uncertain significance. Review status: criteria provided, multiple submitters, no conflicts (2 of 4 stars). 2 submissions from 2 submitters: Uncertain significance (2). Last evaluated 2025-06-19.

Allele frequency attached by ClinVar (database versions not stated): ExAC 0.00001; gnomAD 0.00001; TOPMed 0.00002.
gnomAD v4.1: 19 of 1,613,482 alleles (0.0012%); highest among the groups gnomAD compares: African/African-American, 0.004%; no homozygotes.

Submissions (2):

Ambry Genetics
Classification: Uncertain significance. Last evaluated: 2025-06-19. Review status: criteria provided, single submitter. Criteria: Ambry Variant Classification Scheme 2023. Collection method: clinical testing. Allele origin: germline.

Labcorp Genetics (formerly Invitae), Labcorp
Classification: Uncertain significance. Last evaluated: 2022-07-03. Review status: criteria provided, single submitter. Criteria: Invitae Variant Classification Sherloc (09022015). Collection method: clinical testing. Allele origin: germline.
Comment: In summary, the available evidence is currently insufficient to determine the role of this variant in disease. Therefore, it has been classified as a Variant of Uncertain Significance. Algorithms developed to predict the effect of missense changes on protein structure and function (SIFT, PolyPhen-2, Align-GVGD) all suggest that this variant is likely to be tolerated. This variant has not been reported in the literature in individuals affected with DNAJB13-related conditions. This variant is present in population databases (rs770415081, gnomAD 0.008%). This sequence change replaces arginine, which is basic and polar, with glutamine, which is neutral and polar, at codon 131 of the DNAJB13 protein (p.Arg131Gln).